The following is an entry in ClinVar:

NM_182978.4(GNAL):c.917C>T (p.Thr306Ile)

Gene: GNAL (G protein subunit alpha L; plus strand). Cytogenetic location: 18p11.21.
Variant type: single nucleotide variant.
Coding change: c.917C>T on transcript NM_182978.4 (MANE Select); coding-DNA position 917, C replaced by T.
Protein change: p.Thr306Ile; replaces threonine 306 with isoleucine.
Molecular consequence: missense variant.
Genome position (GRCh38, 1-based): chr18:11,868,549, C>T. VCF-style: chr18-11868549-C-T. GRCh37 (hg19) VCF-style: chr18-11868548-C-T.
Other names: c.686C>T, p.Thr229Ile (NM_001369387.1, NM_001142339.3, NM_001261443.2); c.65C>T, p.Thr22Ile (NM_001261444.2); short protein forms T229I, T22I, T306I.
Identifiers: ClinVar variation 3906736 (VCV003906736.1).
Genomic context (GRCh38, chr18:11,868,549, plus strand): 5'-AACTCCACAGTGAGGATGTCTAACTGAGGTGCTTTCCTTTTTCTCCCCACCAAGATGTCA[C>T]AGCTATCATTTACGTCGCAGCCTGCAGTAGCTACAACATGGTGATTCGAGAAGATAACAA-3'
Protein context (NP_892023.1, residues 296-316): RKWIQCFNDV[Thr306Ile]AIIYVAACSS

ClinVar aggregate classification (germline): Uncertain significance (1 of 4 stars; one submission).

Submission:

GeneDx
Classification: Uncertain significance. Last evaluated: 2024-12-19. Review status: criteria provided, single submitter. Criteria: GeneDx Variant Classification Process June 2021. Collection method: clinical testing. Allele origin: germline. Affected: yes.
Comment: Not observed at significant frequency in large population cohorts (gnomAD); In silico analysis supports that this missense variant has a deleterious effect on protein structure/function; Has not been previously published as pathogenic or benign to our knowledge